The following is an entry in ClinVar:

NM_014141.6(CNTNAP2):c.2543T>C (p.Leu848Pro)

Gene: CNTNAP2 (contactin associated protein 2; plus strand). Cytogenetic location: 7q35.
Variant type: single nucleotide variant.
Coding change: c.2543T>C on transcript NM_014141.6 (MANE Select); coding-DNA position 2543, T replaced by C.
Protein change: p.Leu848Pro; replaces leucine 848 with proline.
Molecular consequence: missense variant.
Genome position (GRCh38, 1-based): chr7:148,118,277, T>C. VCF-style: chr7-148118277-T-C. GRCh37 (hg19) VCF-style: chr7-147815369-T-C.
Other names: short protein forms L848P.
Identifiers: ClinVar variation 392002 (VCV000392002.3), dbSNP rs902996317, ClinGen allele CA16605702.

ClinVar aggregate classification (germline): Uncertain significance (1 of 4 stars; one submission).

Allele frequency attached by ClinVar (database versions not stated): gnomAD exomes 0.00001.
gnomAD v4.1: 5 of 1,614,140 alleles (0.00031%); highest among the groups gnomAD compares: Admixed American, 0.0017%; no homozygotes.

Submission:

GeneDx
Classification: Uncertain significance. Last evaluated: 2024-11-25. Review status: criteria provided, single submitter. Criteria: GeneDx Variant Classification Process June 2021. Collection method: clinical testing. Allele origin: germline. Affected: yes.
Comment: Not observed at significant frequency in large population cohorts (gnomAD); In silico analysis supports that this missense variant has a deleterious effect on protein structure/function; Has not been previously published as pathogenic or benign to our knowledge